The following is an entry in ClinVar:

NM_000355.4(TCN2):c.323A>T (p.Tyr108Phe)

Gene: TCN2 (transcobalamin 2; plus strand). Cytogenetic location: 22q12.2.
Variant type: single nucleotide variant.
Coding change: c.323A>T on transcript NM_000355.4 (MANE Select); coding-DNA position 323, A replaced by T.
Protein change: p.Tyr108Phe; replaces tyrosine 108 with phenylalanine.
Molecular consequence: missense variant.
Genome position (GRCh38, 1-based): chr22:30,612,938, A>T. VCF-style: chr22-30612938-A-T. GRCh37 (hg19) VCF-style: chr22-31008925-A-T.
Other names: c.323A>T, p.Tyr108Phe (NM_001184726.2); short protein forms Y108F.
Identifiers: ClinVar variation 566888 (VCV000566888.6), dbSNP rs781309237, ClinGen allele CA10184582.

ClinVar aggregate classification (germline): Uncertain significance. Review status: criteria provided, multiple submitters, no conflicts (2 of 4 stars). 2 submissions from 2 submitters: Uncertain significance (2). Last evaluated 2022-10-12.

Conditions:
Inborn genetic diseases. Identifiers: MedGen C0950123, MeSH D030342.
Transcobalamin II deficiency (TCN2D). Also called: Transcolabamin II deficiency; TC II DEFICIENCY; TCN2 DEFICIENCY. Identifiers: Orphanet 859, MedGen C0342701, MONDO:0010149, OMIM 275350.

Allele frequency attached by ClinVar (database versions not stated): gnomAD 0.00003; TOPMed 0.00003.
gnomAD v4.1: 58 of 1,613,960 alleles (0.0036%); highest among the groups gnomAD compares: Middle Eastern, 0.049%; no homozygotes.

Submissions (2):

Labcorp Genetics (formerly Invitae), Labcorp
Classification: Uncertain significance for Transcobalamin II deficiency. Last evaluated: 2022-10-12. Review status: criteria provided, single submitter. Criteria: Invitae Variant Classification Sherloc (09022015). Collection method: clinical testing. Allele origin: germline.
Comment: This sequence change replaces tyrosine, which is neutral and polar, with phenylalanine, which is neutral and non-polar, at codon 108 of the TCN2 protein (p.Tyr108Phe). This variant is present in population databases (rs781309237, gnomAD 0.006%). This variant has not been reported in the literature in individuals affected with TCN2-related conditions. ClinVar contains an entry for this variant (Variation ID: 566888). Advanced modeling of protein sequence and biophysical properties (such as structural, functional, and spatial information, amino acid conservation, physicochemical variation, residue mobility, and thermodynamic stability) performed at Invitae indicates that this missense variant is expected to disrupt TCN2 protein function. In summary, the available evidence is currently insufficient to determine the role of this variant in disease. Therefore, it has been classified as a Variant of Uncertain Significance.

Ambry Genetics
Classification: Uncertain significance for Inborn genetic diseases. Last evaluated: 2021-09-27. Review status: criteria provided, single submitter. Criteria: Ambry Variant Classification Scheme 2023. Collection method: clinical testing. Allele origin: germline.